The following is an entry in ClinVar:

NM_182943.3(PLOD2):c.1639T>C (p.Tyr547His)

Gene: PLOD2 (procollagen-lysine,2-oxoglutarate 5-dioxygenase 2; minus strand). Cytogenetic location: 3q24.
Variant type: single nucleotide variant.
Coding change: c.1639T>C on transcript NM_182943.3 (MANE Select); coding-DNA position 1639, T replaced by C.
Protein change: p.Tyr547His; replaces tyrosine 547 with histidine.
Molecular consequence: missense variant.
Genome position (GRCh38, 1-based): chr3:146,076,820, A>G on the plus strand (T>C on the coding strand, the complement: PLOD2 is on the minus strand). VCF-style: chr3-146076820-A-G. GRCh37 (hg19) VCF-style: chr3-145794607-A-G.
Other names: c.1576T>C, p.Tyr526His (NM_000935.3); short protein forms Y526H, Y547H.
Identifiers: ClinVar variation 194570 (VCV000194570.21), dbSNP rs115199093, ClinGen allele CA240612.
Genomic context (GRCh38, chr3:146,076,820, plus strand): 5'-AAGTTGAGTATGAAATACATACCACAGGATTTTCAAAAATCTGCCAGAGGTCATTGTTAT[A>G]ATGGGAAGTATTGTAATTAGCAGTGGATAATAGCCTTCCAAATTCATGTCTATTAGAAAT-3'
Protein context (NP_891988.1, residues 537-557): LSTANYNTSH[Tyr547His]NNDLWQIFEN

ClinVar aggregate classification (germline): Conflicting classifications of pathogenicity. Review status: criteria provided, conflicting classifications (1 of 4 stars). 5 submissions from 5 submitters: Uncertain significance (3); Likely benign (1). 1 of the submissions does not count toward it. Last evaluated 2026-01-20.

Conditions:
PLOD2-related disorder. Also called: PLOD2-related condition.

Allele frequency attached by ClinVar (database versions not stated): gnomAD exomes 0.00019 and 0.00050; ExAC 0.00060; 1000 Genomes Project 30x 0.00156; 1000 Genomes Project 0.00160; gnomAD 0.00165 and 0.00175; ESP Exome Variant Server 0.00208; TOPMed 0.00210.
gnomAD v4.1: 535 of 1,585,412 alleles (0.034%); highest among the groups gnomAD compares: African/African-American, 0.56%; 2 homozygotes.

Submissions (5):

Labcorp Genetics (formerly Invitae), Labcorp
Classification: Likely benign. Last evaluated: 2026-01-20. Review status: criteria provided, single submitter. Criteria: Invitae Variant Classification Sherloc (09022015). Collection method: clinical testing. Allele origin: germline.

Blueprint Genetics
Classification: Uncertain significance. Last evaluated: 2024-02-12. Review status: criteria provided, single submitter. Criteria: ACMG Guidelines, 2015. Collection method: clinical testing. Allele origin: germline.

GeneDx
Classification: Uncertain significance. Last evaluated: 2022-03-03. Review status: criteria provided, single submitter. Criteria: GeneDx Variant Classification Process June 2021. Collection method: clinical testing. Allele origin: germline. Affected: yes.
Comment: In silico analysis supports that this missense variant has a deleterious effect on protein structure/function; Has not been previously published as pathogenic or benign to our knowledge; This variant is associated with the following publications: (PMID: 32123938, 27535533)

Eurofins Ntd Llc (ga)
Classification: Uncertain significance. Last evaluated: 2014-06-24. Review status: criteria provided, single submitter. Criteria: EGL Classification Definitions 2015. Collection method: clinical testing. Allele origin: germline. Observed: 1 variant allele, 1 heterozygote.

PreventionGenetics, part of Exact Sciences
Classification: Likely benign for PLOD2-related condition. Last evaluated: 2019-07-15. Review status: no assertion criteria provided. Collection method: clinical testing. Allele origin: germline. Not counted in ClinVar's aggregate classification.
Comment: This variant is classified as likely benign based on ACMG/AMP sequence variant interpretation guidelines (Richards et al. 2015 PMID: 25741868, with internal and published modifications).